The following is an entry in ClinVar:

ClinVar aggregate classification (germline): Uncertain significance. Review status: criteria provided, multiple submitters, no conflicts (2 of 4 stars). 2 submissions from 2 submitters: Uncertain significance (2). Last evaluated 2025-12-08.

Allele frequency attached by ClinVar (database versions not stated): gnomAD 0.00001; TOPMed 0.00002; gnomAD exomes 0.00003 and 0.00004; ExAC 0.00005.
gnomAD v4.1: 43 of 1,300,250 alleles (0.0033%); highest among the groups gnomAD compares: Non-Finnish European, 0.0042%; no homozygotes.

Submissions (2):

Labcorp Genetics (formerly Invitae), Labcorp
Classification: Uncertain significance. Last evaluated: 2025-12-08. Review status: criteria provided, single submitter. Criteria: Invitae Variant Classification Sherloc (09022015). Collection method: clinical testing. Allele origin: germline.
Comment: This sequence change replaces tyrosine, which is neutral and polar, with cysteine, which is neutral and slightly polar, at codon 1177 of the ERCC6L2 protein (p.Tyr1177Cys). This variant is present in population databases (rs776781098, gnomAD 0.006%). This variant has not been reported in the literature in individuals affected with ERCC6L2-related conditions. ClinVar contains an entry for this variant (Variation ID: 1337829). Experimental studies and prediction algorithms are not available or were not evaluated, and the functional significance of this variant is currently unknown. In summary, the available evidence is currently insufficient to determine the role of this variant in disease. Therefore, it has been classified as a Variant of Uncertain Significance.

Genetic Services Laboratory, University of Chicago
Classification: Uncertain significance. Last evaluated: 2021-02-15. Review status: criteria provided, single submitter. Criteria: ACMG Guidelines, 2015. Collection method: clinical testing. Allele origin: germline. Affected: no.
Comment: DNA sequence analysis of the ERCC6L2 gene demonstrated a sequence change, c.3530A>G, in exon 18 that results in an amino acid change, p.Tyr1177Cys. This sequence change has been described in the gnomAD database with a low population frequency of 0.0027% (dbSNP rs776781098). The p.Tyr1177Cys change affects a poorly conserved amino acid residue located in a domain of the ERCC6L2 protein that is not known to be functional. The p.Tyr1177Cys substitution appears to be benign using several in-silico pathogenicity prediction tools (SIFT, PolyPhen2, Align GVGD, REVEL). This sequence change does not appear to have been previously described in patients with ERCC6L2-related disorders. Due to the lack of sufficient evidences, the clinical significance of the p.Tyr1177Cys change remains unknown at this time.

NM_020207.7(ERCC6L2):c.3497A>G (p.Tyr1166Cys)

Gene: ERCC6L2 (ERCC excision repair 6 like 2; plus strand). Cytogenetic location: 9q22.32.
Variant type: single nucleotide variant.
Coding change: c.3497A>G on transcript NM_020207.7 (MANE Select); coding-DNA position 3497, A replaced by G.
Protein change: p.Tyr1166Cys; replaces tyrosine 1166 with cysteine.
Molecular consequence: missense variant. On other transcripts: non-coding transcript variant (1).
Genome position (GRCh38, 1-based): chr9:96,004,524, A>G. VCF-style: chr9-96004524-A-G. GRCh37 (hg19) VCF-style: chr9-98766806-A-G.
Other names: c.3497A>G, p.Tyr1166Cys (NM_001375291.1, NM_001375292.1); short protein forms Y1166C.
Identifiers: ClinVar variation 1337829 (VCV001337829.8), dbSNP rs776781098, ClinGen allele CA5139943.
Genomic context (GRCh38, chr9:96,004,524, plus strand): 5'-TGACCAACAATGACTATTTTTTCAGACATAGCTTTTGTTTCCTTTCTTTTTTTCAGACAT[A>G]TAAAGAAAAAGTGGATGCAGATACATTGCCACACACAAAGAAAGGCCAGCAACCGAGTGA-3'
Protein context (NP_064592.3, residues 1156-1176): ANIAVCSSKT[Tyr1166Cys]KEKVDADTLP